The following is an entry in ClinVar:

NM_003239.5(TGFB3):c.713T>C (p.Ile238Thr)

Gene: TGFB3 (transforming growth factor beta 3; minus strand). Cytogenetic location: 14q24.3.
Variant type: single nucleotide variant.
Coding change: c.713T>C on transcript NM_003239.5 (MANE Select); coding-DNA position 713, T replaced by C.
Protein change: p.Ile238Thr; replaces isoleucine 238 with threonine.
Molecular consequence: missense variant.
Genome position (GRCh38, 1-based): chr14:75,965,629, A>G on the plus strand (T>C on the coding strand, the complement: TGFB3 is on the minus strand). VCF-style: chr14-75965629-A-G. GRCh37 (hg19) VCF-style: chr14-76431972-A-G.
Other names: c.713T>C, p.Ile238Thr (NM_001329938.2, NM_001329939.2); short protein forms I238T.
Identifiers: ClinVar variation 1501101 (VCV001501101.6), dbSNP rs2140240237, ClinGen allele CA390468892.

ClinVar aggregate classification (germline): Uncertain significance (1 of 4 stars; one submission).

Conditions:
Rienhoff syndrome. Also called: LOEYS-DIETZ SYNDROME 5. Identifiers: MedGen C3810012, MONDO:0014262, OMIM 615582.

Submission:

Labcorp Genetics (formerly Invitae), Labcorp
Classification: Uncertain significance for Rienhoff syndrome. Last evaluated: 2022-10-26. Review status: criteria provided, single submitter. Criteria: Invitae Variant Classification Sherloc (09022015). Collection method: clinical testing. Allele origin: germline.
Comment: This sequence change replaces isoleucine, which is neutral and non-polar, with threonine, which is neutral and polar, at codon 238 of the TGFB3 protein (p.Ile238Thr). In summary, the available evidence is currently insufficient to determine the role of this variant in disease. Therefore, it has been classified as a Variant of Uncertain Significance. Algorithms developed to predict the effect of missense changes on protein structure and function are either unavailable or do not agree on the potential impact of this missense change (SIFT: "Tolerated"; PolyPhen-2: "Probably Damaging"; Align-GVGD: "Class C0"). ClinVar contains an entry for this variant (Variation ID: 1501101). This variant has not been reported in the literature in individuals affected with TGFB3-related conditions. This variant is not present in population databases (gnomAD no frequency).